The following is an entry in ClinVar:

ClinVar aggregate classification (germline): Uncertain significance (1 of 4 stars; one submission).

Conditions:
SUCO-related disorder. Also called: SUCO-related condition.

Submission:

PreventionGenetics, part of Exact Sciences
Classification: Uncertain significance for SUCO-related condition. Last evaluated: 2026-09-01. Review status: criteria provided, single submitter. Criteria: ACMG Guidelines, 2015. Collection method: clinical testing. Allele origin: germline.
Comment: The SUCO c.1997C>T variant is predicted to result in the amino acid substitution p.Ala666Val. To our knowledge, this variant has not been reported in the literature or in a large population database (gnomAD), indicating this variant is rare. At this time, the clinical significance of this variant is uncertain due to the absence of conclusive functional and genetic evidence.

NM_014283.5(SUCO):c.1544C>T (p.Ala515Val)

Gene: SUCO (SUN domain containing ossification factor; plus strand). Cytogenetic location: 1q24.3.
Variant type: single nucleotide variant.
Coding change: c.1544C>T on transcript NM_014283.5 (MANE Select); coding-DNA position 1544, C replaced by T.
Protein change: p.Ala515Val; replaces alanine 515 with valine.
Molecular consequence: missense variant. On other transcripts: intron variant (1).
Genome position (GRCh38, 1-based): chr1:172,585,063, C>T. VCF-style: chr1-172585063-C-T. GRCh37 (hg19) VCF-style: chr1-172554203-C-T.
Other names: c.1433C>T, p.Ala478Val (NM_001282750.2); c.1997C>T, p.Ala666Val (NM_016227.4); c.-31-3697C>T (NM_001282751.2); short protein forms A478V, A515V, A666V.
Identifiers: ClinVar variation 4994201 (VCV004994201.1).